The following is an entry in ClinVar:

ClinVar aggregate classification (germline): Uncertain significance (1 of 4 stars; one submission).

Conditions:
Osteogenesis imperfecta type 8 (OI8). Identifiers: MedGen C1970458, MONDO:0012581, OMIM 610915.

Submission:

Labcorp Genetics (formerly Invitae), Labcorp
Classification: Uncertain significance for Osteogenesis imperfecta type 8. Last evaluated: 2022-02-18. Review status: criteria provided, single submitter. Criteria: Invitae Variant Classification Sherloc (09022015). Collection method: clinical testing. Allele origin: germline.
Comment: This variant has not been reported in the literature in individuals affected with P3H1-related conditions. In summary, the available evidence is currently insufficient to determine the role of this variant in disease. Therefore, it has been classified as a Variant of Uncertain Significance. Algorithms developed to predict the effect of missense changes on protein structure and function (SIFT, PolyPhen-2, Align-GVGD) all suggest that this variant is likely to be tolerated. This variant is not present in population databases (gnomAD no frequency). This sequence change replaces aspartic acid, which is acidic and polar, with valine, which is neutral and non-polar, at codon 712 of the P3H1 protein (p.Asp712Val).

NM_022356.4(P3H1):c.2135A>T (p.Asp712Val)

Gene: P3H1 (prolyl 3-hydroxylase 1; minus strand). Cytogenetic location: 1p34.2.
Variant type: single nucleotide variant.
Coding change: c.2135A>T on transcript NM_022356.4 (MANE Select); coding-DNA position 2135, A replaced by T.
Protein change: p.Asp712Val; replaces aspartic acid 712 with valine.
Molecular consequence: missense variant. On other transcripts: 3 prime UTR variant (2).
Genome position (GRCh38, 1-based): chr1:42,746,773, T>A on the plus strand (A>T on the coding strand, the complement: P3H1 is on the minus strand). VCF-style: chr1-42746773-T-A. GRCh37 (hg19) VCF-style: chr1-43212444-T-A.
Other names: c.*60A>T (NM_001146289.2); c.*139A>T (NM_001243246.2); short protein forms D712V.
Identifiers: ClinVar variation 2098558 (VCV002098558.4), dbSNP rs1651736414, ClinGen allele CA339950591.